The following is an entry in ClinVar:

ClinVar aggregate classification (germline): Uncertain significance (1 of 4 stars; one submission).

Conditions:
Congenital myasthenic syndrome 10. Also called: Myasthenia, limb-girdle, familial. Identifiers: Orphanet 590, MedGen C1850792, MONDO:0009690, OMIM 254300.
Fetal akinesia deformation sequence 1 (FADS1). Also called: Pena-Shokeir syndrome type I; Fetal akinesia sequence. Identifiers: Orphanet 994, MedGen C1276035, MONDO:0100101, OMIM 208150, HP:0001989.

Allele frequency attached by ClinVar (database versions not stated): gnomAD exomes below 0.00001; TOPMed 0.00001.
gnomAD v4.1: 1 of 1,577,730 alleles (0.000063%); highest among the groups gnomAD compares: South Asian, 0.0012%; no homozygotes.

Submission:

Labcorp Genetics (formerly Invitae), Labcorp
Classification: Uncertain significance for Congenital myasthenic syndrome 10; Fetal akinesia deformation sequence 1. Last evaluated: 2021-12-23. Review status: criteria provided, single submitter. Criteria: Invitae Variant Classification Sherloc (09022015). Collection method: clinical testing. Allele origin: germline.
Comment: This sequence change replaces aspartic acid, which is acidic and polar, with asparagine, which is neutral and polar, at codon 218 of the DOK7 protein (p.Asp218Asn). This variant also falls at the last nucleotide of exon 5, which is part of the consensus splice site for this exon. This variant is not present in population databases (gnomAD no frequency). This variant has not been reported in the literature in individuals affected with DOK7-related conditions. Algorithms developed to predict the effect of missense changes on protein structure and function are either unavailable or do not agree on the potential impact of this missense change (SIFT: "Tolerated"; PolyPhen-2: "Possibly Damaging"; Align-GVGD: "Class C0"). Variants that disrupt the consensus splice site are a relatively common cause of aberrant splicing (PMID: 17576681, 9536098). Algorithms developed to predict the effect of sequence changes on RNA splicing suggest that this variant may disrupt the consensus splice site. In summary, the available evidence is currently insufficient to determine the role of this variant in disease. Therefore, it has been classified as a Variant of Uncertain Significance.

Literature cited by the submitters: PubMed 17576681; PubMed 9536098.

NM_173660.5(DOK7):c.652G>A (p.Asp218Asn)

Gene: DOK7 (docking protein 7; plus strand). Cytogenetic location: 4p16.3.
Variant type: single nucleotide variant.
Coding change: c.652G>A on transcript NM_173660.5 (MANE Select); coding-DNA position 652, G replaced by A.
Protein change: p.Asp218Asn; replaces aspartic acid 218 with asparagine.
Molecular consequence: missense variant. On other transcripts: 5 prime UTR variant (1).
Genome position (GRCh38, 1-based): chr4:3,485,658, G>A. VCF-style: chr4-3485658-G-A. GRCh37 (hg19) VCF-style: chr4-3487385-G-A.
Other names: c.641G>A, p.Arg214Lys (NM_001164673.2); c.-279G>A (NM_001256896.2); c.652G>A, p.Asp218Asn (NM_001301071.2); c.220G>A, p.Asp74Asn (NM_001363811.2); short protein forms D218N, D74N, R214K.
Identifiers: ClinVar variation 2055762 (VCV002055762.1), dbSNP rs1727731409, ClinGen allele CA356115155.